The following is an entry in ClinVar:

NM_001171.6(ABCC6):c.3139C>T (p.Arg1047Cys)

Gene: ABCC6 (ATP binding cassette subfamily C member 6; minus strand). Cytogenetic location: 16p13.11.
Variant type: single nucleotide variant.
Coding change: c.3139C>T on transcript NM_001171.6 (MANE Select); coding-DNA position 3139, C replaced by T.
Protein change: p.Arg1047Cys; replaces arginine 1047 with cysteine.
Molecular consequence: missense variant. On other transcripts: non-coding transcript variant (1).
Genome position (GRCh38, 1-based): chr16:16,165,790, G>A on the plus strand (C>T on the coding strand, the complement: ABCC6 is on the minus strand). VCF-style: chr16-16165790-G-A. GRCh37 (hg19) VCF-style: chr16-16259647-G-A.
Other names: c.3139C>T (NM_001171.5); c.2797C>T, p.Arg933Cys (NM_001351800.1); short protein forms R933C, R1047C.
Identifiers: ClinVar variation 1912723 (VCV001912723.3), dbSNP rs199571237, ClinGen allele CA7925679.

ClinVar aggregate classification (germline): Uncertain significance. Review status: criteria provided, multiple submitters, no conflicts (2 of 4 stars). 2 submissions from 2 submitters: Uncertain significance (2). Last evaluated 2025-05-14.

Conditions:
ABCC6-related disorder. Also called: ABCC6-related condition.

Allele frequency attached by ClinVar (database versions not stated): ExAC 0.00002; gnomAD 0.00002; gnomAD exomes 0.00002; TOPMed 0.00002; ESP Exome Variant Server 0.00008.
gnomAD v4.1: 28 of 1,613,628 alleles (0.0017%); highest among the groups gnomAD compares: Admixed American, 0.005%; no homozygotes.

Submissions (2):

PreventionGenetics, part of Exact Sciences
Classification: Uncertain significance for ABCC6-related condition. Last evaluated: 2025-05-14. Review status: criteria provided, single submitter. Criteria: ACMG Guidelines, 2015. Collection method: clinical testing. Allele origin: germline.
Comment: The ABCC6 c.3139C>T variant is predicted to result in the amino acid substitution p.Arg1047Cys. To our knowledge, this variant has not been reported in the literature. This variant is reported in 0.0062% of alleles in individuals of African descent in gnomAD. At this time, the clinical significance of this variant is uncertain due to the absence of conclusive functional and genetic evidence.

Labcorp Genetics (formerly Invitae), Labcorp
Classification: Uncertain significance. Last evaluated: 2022-08-13. Review status: criteria provided, single submitter. Criteria: Invitae Variant Classification Sherloc (09022015). Collection method: clinical testing. Allele origin: germline.
Comment: This sequence change replaces arginine, which is basic and polar, with cysteine, which is neutral and slightly polar, at codon 1047 of the ABCC6 protein (p.Arg1047Cys). This variant is present in population databases (rs199571237, gnomAD 0.007%). This variant has not been reported in the literature in individuals affected with ABCC6-related conditions. Advanced modeling of protein sequence and biophysical properties (such as structural, functional, and spatial information, amino acid conservation, physicochemical variation, residue mobility, and thermodynamic stability) performed at Invitae indicates that this missense variant is expected to disrupt ABCC6 protein function. In summary, the available evidence is currently insufficient to determine the role of this variant in disease. Therefore, it has been classified as a Variant of Uncertain Significance.